The following is an entry in ClinVar:

ClinVar aggregate classification (germline): Uncertain significance. Review status: criteria provided, multiple submitters, no conflicts (2 of 4 stars). 2 submissions from 2 submitters: Uncertain significance (2). Last evaluated 2025-09-04.

Allele frequency attached by ClinVar (database versions not stated): gnomAD 0.00003; TOPMed 0.00004; ExAC 0.00007; gnomAD exomes 0.00007; ESP Exome Variant Server 0.00008.
gnomAD v4.1: 109 of 1,614,078 alleles (0.0068%); highest among the groups gnomAD compares: Non-Finnish European, 0.0092%; no homozygotes.

Submissions (2):

Ambry Genetics
Classification: Uncertain significance. Last evaluated: 2025-09-04. Review status: criteria provided, single submitter. Criteria: Ambry Variant Classification Scheme 2023. Collection method: clinical testing. Allele origin: germline.

Labcorp Genetics (formerly Invitae), Labcorp
Classification: Uncertain significance. Last evaluated: 2022-08-23. Review status: criteria provided, single submitter. Criteria: Invitae Variant Classification Sherloc (09022015). Collection method: clinical testing. Allele origin: germline.
Comment: This variant has not been reported in the literature in individuals affected with AGAP1-related conditions. Algorithms developed to predict the effect of missense changes on protein structure and function are either unavailable or do not agree on the potential impact of this missense change (SIFT: "Deleterious"; PolyPhen-2: "Probably Damaging"; Align-GVGD: "Class C0"). In summary, the available evidence is currently insufficient to determine the role of this variant in disease. Therefore, it has been classified as a Variant of Uncertain Significance. This variant is present in population databases (rs148389075, gnomAD 0.009%). This sequence change replaces isoleucine, which is neutral and non-polar, with methionine, which is neutral and non-polar, at codon 240 of the AGAP1 protein (p.Ile240Met).

NM_001037131.3(AGAP1):c.720A>G (p.Ile240Met)

Gene: AGAP1 (ArfGAP with GTPase domain, ankyrin repeat and PH domain 1; plus strand). Cytogenetic location: 2q37.2.
Variant type: single nucleotide variant.
Coding change: c.720A>G on transcript NM_001037131.3 (MANE Select); coding-DNA position 720, A replaced by G.
Protein change: p.Ile240Met; replaces isoleucine 240 with methionine.
Molecular consequence: missense variant.
Genome position (GRCh38, 1-based): chr2:235,797,805, A>G. VCF-style: chr2-235797805-A-G. GRCh37 (hg19) VCF-style: chr2-236706449-A-G.
Other names: c.720A>G, p.Ile240Met (NM_001244888.2, NM_001412122.1, NM_014914.5); c.720A>G (NM_001037131.2); short protein forms I240M.
Identifiers: ClinVar variation 2149579 (VCV002149579.6), dbSNP rs148389075, ClinGen allele CA2184549.